The following is an entry in ClinVar:

ClinVar aggregate classification (germline): Uncertain significance (1 of 4 stars; one submission).

Submission:

Labcorp Genetics (formerly Invitae), Labcorp
Classification: Uncertain significance. Last evaluated: 2021-06-01. Review status: criteria provided, single submitter. Criteria: Invitae Variant Classification Sherloc (09022015). Collection method: clinical testing. Allele origin: germline.
Comment: This variant is not present in population databases (ExAC no frequency). This sequence change replaces aspartic acid with alanine at codon 1394 of the ROBO1 protein (p.Asp1394Ala). The aspartic acid residue is highly conserved and there is a moderate physicochemical difference between aspartic acid and alanine. This variant has not been reported in the literature in individuals with ROBO1-related conditions. In summary, the available evidence is currently insufficient to determine the role of this variant in disease. Therefore, it has been classified as a Variant of Uncertain Significance. Advanced modeling of protein sequence and biophysical properties (such as structural, functional, and spatial information, amino acid conservation, physicochemical variation, residue mobility, and thermodynamic stability) performed at Invitae indicates that this missense variant is not expected to disrupt ROBO1 protein function.

NM_002941.4(ROBO1):c.4181A>C (p.Asp1394Ala)

Gene: ROBO1 (roundabout guidance receptor 1; minus strand). Cytogenetic location: 3p12.3.
Variant type: single nucleotide variant.
Coding change: c.4181A>C on transcript NM_002941.4 (MANE Select); coding-DNA position 4181, A replaced by C.
Protein change: p.Asp1394Ala; replaces aspartic acid 1394 with alanine.
Molecular consequence: missense variant.
Genome position (GRCh38, 1-based): chr3:78,617,736, T>G on the plus strand (A>C on the coding strand, the complement: ROBO1 is on the minus strand). VCF-style: chr3-78617736-T-G. GRCh37 (hg19) VCF-style: chr3-78666886-T-G.
Other names: c.3881A>C, p.Asp1294Ala (NM_001145845.2); c.4046A>C, p.Asp1349Ala (NM_133631.4); short protein forms D1349A, D1394A, D1294A.
Identifiers: ClinVar variation 1491116 (VCV001491116.8), dbSNP rs2107394417, ClinGen allele CA353648214.
Genomic context (GRCh38, chr3:78,617,736, plus strand): 5'-GCATACTCTGCCGCTGCTGCGACTGCCTGGGCAAAGTCAGCATCAGTGAAAAAGGAGCCG[T>G]CCGAAGAACTAACACTGGAGCGTCCGCTGGAAATGTTGTCCTCCTCTGAGGCTGAGCCCC-3'
Protein context (NP_002932.1, residues 1384-1404): SSGRSSVSSS[Asp1394Ala]GSFFTDADFA